The following is an entry in ClinVar:

ClinVar aggregate classification (germline): Pathogenic (1 of 4 stars; one submission).

Conditions:
Tuberous sclerosis 2 (TSC2). Identifiers: Orphanet 805, MedGen C1860707, MONDO:0013199, OMIM 613254.

Submission:

Labcorp Genetics (formerly Invitae), Labcorp
Classification: Pathogenic for Tuberous sclerosis 2. Last evaluated: 2019-11-01. Review status: criteria provided, single submitter. Criteria: Invitae Variant Classification Sherloc (09022015). Collection method: clinical testing. Allele origin: germline.
Comment: This sequence change creates a premature translational stop signal (p.Asn1233Argfs*93) in the TSC2 gene. It is expected to result in an absent or disrupted protein product. This variant is not present in population databases (ExAC no frequency). This variant has not been reported in the literature in individuals with TSC2-related conditions. Loss-of-function variants in TSC2 are known to be pathogenic (PMID: 10205261, 17304050). For these reasons, this variant has been classified as Pathogenic.

Literature cited by the submitters: PubMed 10205261; PubMed 17304050.

NM_000548.5(TSC2):c.3697_3698insGA (p.Asn1233fs)

Gene: TSC2 (TSC complex subunit 2; plus strand). Cytogenetic location: 16p13.3.
Variant type: Insertion.
Coding change: c.3697_3698insGA on transcript NM_000548.5 (MANE Select); coding-DNA positions 3697 to 3698, GA inserted.
Protein change: p.Asn1233fs; shifts the reading frame from asparagine 1233.
Molecular consequence: frameshift variant.
Genome position: GRCh38 VCF-style: chr16-2081680-T-TAG. GRCh37 (hg19) VCF-style: chr16-2131681-T-TAG.
Other names: c.3565_3566insGA, p.Asn1189fs (NM_001077183.3, NM_001370404.1); c.3697_3698insGA, p.Asn1233fs (NM_001114382.3); c.3457_3458insGA, p.Asn1153fs (NM_001318827.2); c.3421_3422insGA, p.Asn1141fs (NM_001318829.2); c.2965_2966insGA, p.Asn989fs (NM_001318831.2); c.3598_3599insGA, p.Asn1200fs (NM_001318832.2); c.3568_3569insGA, p.Asn1190fs (NM_001363528.2, NM_001370405.1, NM_021055.3); short protein forms N1190fs, N1153fs, N1189fs, N989fs, N1141fs, N1233fs, N1200fs.
Identifiers: ClinVar variation 970804 (VCV000970804.7), dbSNP rs2090159838, ClinGen allele CA1139664271.